The following is an entry in ClinVar:

ClinVar aggregate classification (germline): Uncertain significance (1 of 4 stars; one submission).

Conditions:
Cardiovascular phenotype. Identifiers: MedGen CN230736.

Allele frequency attached by ClinVar (database versions not stated): gnomAD exomes below 0.00001; TOPMed 0.00002.
gnomAD v4.1: 2 of 1,572,742 alleles (0.00013%); highest among the groups gnomAD compares: African/African-American, 0.0013%; no homozygotes.

Submission:

Ambry Genetics
Classification: Uncertain significance for Cardiovascular phenotype. Last evaluated: 2021-08-05. Review status: criteria provided, single submitter. Criteria: Ambry Variant Classification Scheme 2023. Collection method: clinical testing. Allele origin: germline.
Comment: The p.A614V variant (also known as c.1841C>T), located in coding exon 22 of the CACNA2D1 gene, results from a C to T substitution at nucleotide position 1841. The alanine at codon 614 is replaced by valine, an amino acid with similar properties. This amino acid position is conserved. In addition, the in silico prediction for this alteration is inconclusive. Since supporting evidence is limited at this time, the clinical significance of this alteration remains unclear.

NM_000722.4(CACNA2D1):c.1841C>T (p.Ala614Val)

Gene: CACNA2D1 (calcium voltage-gated channel auxiliary subunit alpha2delta 1; minus strand). Cytogenetic location: 7q21.11.
Variant type: single nucleotide variant.
Coding change: c.1841C>T on transcript NM_000722.4 (MANE Select); coding-DNA position 1841, C replaced by T.
Protein change: p.Ala614Val; replaces alanine 614 with valine.
Molecular consequence: missense variant.
Genome position (GRCh38, 1-based): chr7:81,984,667, G>A on the plus strand (C>T on the coding strand, the complement: CACNA2D1 is on the minus strand). VCF-style: chr7-81984667-G-A. GRCh37 (hg19) VCF-style: chr7-81613983-G-A.
Other names: c.1898C>T, p.Ala633Val (NM_001366867.1); short protein forms A614V, A633V.
Identifiers: ClinVar variation 1781170 (VCV001781170.2), dbSNP rs748757221, ClinGen allele CA4317887.